The following is an entry in ClinVar:

NM_000081.4(LYST):c.4803G>T (p.Gln1601His)

Gene: LYST (lysosomal trafficking regulator; minus strand). Cytogenetic location: 1q42.3.
Variant type: single nucleotide variant.
Coding change: c.4803G>T on transcript NM_000081.4 (MANE Select); coding-DNA position 4803, G replaced by T.
Protein change: p.Gln1601His; replaces glutamine 1601 with histidine.
Molecular consequence: missense variant.
Genome position (GRCh38, 1-based): chr1:235,787,259, C>A on the plus strand (G>T on the coding strand, the complement: LYST is on the minus strand). VCF-style: chr1-235787259-C-A. GRCh37 (hg19) VCF-style: chr1-235950559-C-A.
Other names: c.4803G>T (NM_000081.2); c.4803G>T, p.Gln1601His (NM_001301365.1); short protein forms Q1601H.
Identifiers: ClinVar variation 1376258 (VCV001376258.4), dbSNP rs201035814, ClinGen allele CA1466756.
Genomic context (GRCh38, chr1:235,787,259, plus strand): 5'-CCTCTGTCCAGAGACCCATATGGAGATTTTCCCATGAATCCTCCTTTTCCCTTGGGGCTG[C>A]TGTAAGTAGGTGAGTACTAAATGTTGCCATTTGCTTGGGAGGAAAATATTCTCCTGTGAT-3'
Protein context (NP_000072.2, residues 1591-1611): KWQHLVLTYL[Gln1601His]QPQGKRRIHG

ClinVar aggregate classification (germline): Uncertain significance. Review status: criteria provided, multiple submitters, no conflicts (2 of 4 stars). 2 submissions from 2 submitters: Uncertain significance (2). Last evaluated 2024-12-04.

Conditions:
Inborn genetic diseases. Identifiers: MedGen C0950123, MeSH D030342.
Chédiak-Higashi syndrome (CHS). Also called: Chediak-Higashi Syndrome. Identifiers: Orphanet 167, MedGen C0007965, MONDO:0008963, OMIM 214500.

Allele frequency attached by ClinVar (database versions not stated): ExAC 0.00002.
gnomAD v4.1: 17 of 1,613,698 alleles (0.0011%); highest among the groups gnomAD compares: Non-Finnish European, 0.0011%; no homozygotes.

Submissions (2):

Ambry Genetics
Classification: Uncertain significance for Inborn genetic diseases. Last evaluated: 2024-12-04. Review status: criteria provided, single submitter. Criteria: Ambry Variant Classification Scheme 2023. Collection method: clinical testing. Allele origin: germline.

Labcorp Genetics (formerly Invitae), Labcorp
Classification: Uncertain significance for Chédiak-Higashi syndrome. Last evaluated: 2022-08-19. Review status: criteria provided, single submitter. Criteria: Invitae Variant Classification Sherloc (09022015). Collection method: clinical testing. Allele origin: germline.
Comment: This sequence change replaces glutamine, which is neutral and polar, with histidine, which is basic and polar, at codon 1601 of the LYST protein (p.Gln1601His). This variant is present in population databases (rs201035814, gnomAD 0.01%). This variant has not been reported in the literature in individuals affected with LYST-related conditions. ClinVar contains an entry for this variant (Variation ID: 1376258). Algorithms developed to predict the effect of missense changes on protein structure and function are either unavailable or do not agree on the potential impact of this missense change (SIFT: "Deleterious"; PolyPhen-2: "Possibly Damaging"; Align-GVGD: "Class C0"). In summary, the available evidence is currently insufficient to determine the role of this variant in disease. Therefore, it has been classified as a Variant of Uncertain Significance.